The following is an entry in ClinVar:

NM_001371395.1(USP53):c.1295_1299del (p.Leu432fs)

Gene: USP53 (ubiquitin specific peptidase 53; plus strand). Cytogenetic location: 4q26.
Variant type: Microsatellite.
Coding change: c.1295_1299del on transcript NM_001371395.1 (MANE Select); coding-DNA positions 1295 to 1299, 5 bases deleted (TAAGT; older notation c.1295_1299delTAAGT).
Protein change: p.Leu432fs; shifts the reading frame from leucine 432.
Molecular consequence: frameshift variant.
Genome position (GRCh38, 1-based): chr4:119,269,697-119,269,701, TAAGT deleted; deleting any 5 consecutive bases within chr4:119,269,692-119,269,701 gives the same sequence; the c. name uses the placement nearest the transcript's 3' end. VCF-style (leftmost placement, unchanged base first): chr4-119269691-CTAAGT-C. GRCh37 (hg19) VCF-style: chr4-120190846-CTAAGT-C.
Other names: c.1142_1146del, p.Leu381fs (NM_001371396.1, NM_001389661.1); c.1295_1299del, p.Leu432fs (NM_001371397.1, NM_001371398.1, NM_001371399.1 and 3 more transcripts); c.1145_1149del, p.Leu382fs (NM_001389660.1); c.947_951del, p.Leu316fs (NM_001389662.1, NM_001389663.1, NM_001389664.1 and 1 more transcripts); c.794_798del, p.Leu265fs (NM_001389665.1, NM_001389667.1); short protein forms L265fs, L382fs, L381fs, L316fs, L432fs.
Identifiers: ClinVar variation 2584943 (VCV002584943.1), dbSNP rs1288933417, ClinGen allele CA554163186.

ClinVar aggregate classification (germline): Likely pathogenic (1 of 4 stars; one submission).

Conditions:
Cholestasis, progressive familial intrahepatic, 7, with or without hearing loss. Identifiers: MedGen C5562043, MONDO:0030503, OMIM 619658.

Submission:

Neuberg Centre For Genomic Medicine, NCGM
Classification: Likely pathogenic for Cholestasis, progressive familial intrahepatic, 7, with or without hearing loss. Review status: criteria provided, single submitter. Criteria: ACMG Guidelines, 2015. Collection method: clinical testing. Allele origin: germline. Inheritance: Autosomal recessive inheritance. Affected: yes.
Comment: The frame shift (c.1295_1299del) variant has not been reported previously as a pathogenic variant nor as a benign variant, to our knowledge. The p.Leu432SerfsTer3 variant is novel (not in any individuals) in gnomAD Exomes and 1000 Genomes. This variant causes a frameshift starting with codon Leucine 432, changes this amino acid to Serine residue, and creates a premature Stop codon at position 3 of the new reading frame, denoted p.Leu432SerfsTer3. This variant is predicted to cause loss of normal protein function through protein truncation. Loss of function variants have been previously reported to be disease causing. For these reasons, this variant has been classified as Likely Pathogenic.